The following is an entry in ClinVar:

NC_000015.9:g.(?_77310469)_(77329517_?)dup

Gene: PSTPIP1 (proline-serine-threonine phosphatase interacting protein 1; plus strand). Cytogenetic location: 15q24.3.
Variant type: Duplication.
Identifiers: ClinVar variation 1432643 (VCV001432643.5).

ClinVar aggregate classification (germline): Uncertain significance (1 of 4 stars; one submission).

Conditions:
Pyogenic arthritis-pyoderma gangrenosum-acne syndrome (PAPA). Also called: PAPA SYNDROME; FAMILIAL RECURRENT ARTHRITIS. Identifiers: Orphanet 69126, MedGen C1858361, MONDO:0011462, OMIM 604416.

Submission:

Labcorp Genetics (formerly Invitae), Labcorp
Classification: Uncertain significance for Pyogenic arthritis-pyoderma gangrenosum-acne syndrome. Last evaluated: 2022-02-05. Review status: criteria provided, single submitter. Criteria: Invitae Variant Classification Sherloc (09022015). Collection method: clinical testing. Allele origin: germline.
Comment: In summary, the available evidence is currently insufficient to determine the role of this variant in disease. Therefore, it has been classified as a Variant of Uncertain Significance. Experimental studies and prediction algorithms are not available or were not evaluated, and the functional significance of this variant is currently unknown. This variant has not been reported in the literature in individuals affected with PSTPIP1-related conditions. This variant results in a copy number gain of the genomic region encompassing exon(s) 2-15 of the PSTPIP1 gene. This region includes the termination codon of the gene. This copy number gain extends beyond the assayed region for this gene and therefore may encompass additional genes. As the precise location of this event is unknown, it may be in tandem or it may be located elsewhere in the genome.